The following is an entry in ClinVar:

NM_006941.4(SOX10):c.507G>A (p.Pro169=)

Genes: POLR2F (RNA polymerase II, I and III subunit F; plus strand), SOX10 (SRY-box transcription factor 10; minus strand). Cytogenetic location: 22q13.1.
Variant type: single nucleotide variant.
Coding change: c.507G>A on transcript NM_006941.4 (MANE Select); coding-DNA position 507, G replaced by A.
Protein change: p.Pro169=; no amino-acid change (proline 169 retained).
Molecular consequence: synonymous variant. On other transcripts: intron variant (3).
Genome position (GRCh38, 1-based): chr22:37,978,057, C>T on the plus strand (G>A on the coding strand, the complement: SOX10 is on the minus strand). VCF-style: chr22-37978057-C-T. GRCh37 (hg19) VCF-style: chr22-38374064-C-T.
Other names: c.*38+5747C>T (NM_001363825.1); c.294-8097C>T (NM_001301130.2); c.293+10887C>T (NM_001301131.2).
Identifiers: ClinVar variation 341620 (VCV000341620.16), dbSNP rs199703563, ClinGen allele CA10228667.

ClinVar aggregate classification (germline): Benign/Likely benign. Review status: criteria provided, multiple submitters, no conflicts (2 of 4 stars). 4 submissions from 3 submitters: Benign (1); Likely benign (3). Last evaluated 2022-05-18.

Conditions:
Waardenburg syndrome. Also called: Waardenburg's syndrome. Identifiers: Orphanet 3440, MedGen C3266898, MONDO:0018094.
PCWH syndrome. Also called: WAARDENBURG-SHAH SYNDROME, NEUROLOGIC VARIANT. Identifiers: Orphanet 163746, MedGen C1836727, MONDO:0012198, OMIM 609136.

Allele frequency attached by ClinVar (database versions not stated): 1000 Genomes Project 30x 0.00078; gnomAD 0.00004 and 0.00010; gnomAD exomes 0.00008; 1000 Genomes Project 0.00080; TOPMed 0.00007.
gnomAD v4.1: 129 of 1,610,228 alleles (0.008%); highest among the groups gnomAD compares: East Asian, 0.22%; no homozygotes.

Submissions (4):

Blueprint Genetics
Classification: Likely benign. Last evaluated: 2022-05-18. Review status: criteria provided, single submitter. Criteria: ACMG Guidelines, 2015. Collection method: clinical testing. Allele origin: germline.

Labcorp Genetics (formerly Invitae), Labcorp
Classification: Benign. Last evaluated: 2021-06-24. Review status: criteria provided, single submitter. Criteria: Invitae Variant Classification Sherloc (09022015). Collection method: clinical testing. Allele origin: germline.

Illumina Laboratory Services, Illumina
Classification: Likely benign for Waardenburg syndrome. Last evaluated: 2017-04-27. Review status: criteria provided, single submitter. Criteria: ICSL Variant Classification Criteria 13 December 2019. Collection method: clinical testing. Allele origin: germline.
Comment: This variant was observed as part of a predisposition screen in an ostensibly healthy population. A literature search was performed for the gene, cDNA change, and amino acid change (where applicable). No publications were found based on this search. Allele frequency data from public databases allowed determination this variant is unlikely to cause disease. Therefore, this variant is classified as likely benign.

Illumina Laboratory Services, Illumina
Classification: Likely benign for PCWH syndrome. Last evaluated: 2017-04-27. Review status: criteria provided, single submitter. Criteria: ICSL Variant Classification Criteria 13 December 2019. Collection method: clinical testing. Allele origin: germline.
Comment: the same text as in the submission from Illumina Laboratory Services, Illumina above.